The following is an entry in ClinVar:

ClinVar aggregate classification (germline): Likely pathogenic (1 of 4 stars; one submission).

Conditions:
Niemann-Pick disease, type C2 (NPC2). Identifiers: Orphanet 646, MedGen C1843366, MONDO:0011873, OMIM 607625.

Submission:

Myriad Genetics, Inc.
Classification: Likely pathogenic for Niemann-Pick disease, type C2. Last evaluated: 2019-07-24. Review status: criteria provided, single submitter. Criteria: Myriad Women's Health Autosomal Recessive and X-Linked Classification Criteria (2019). Collection method: clinical testing. Allele origin: unknown.
Comment: NM_006432.3(NPC2):c.334A>T(K112*) is expected to be pathogenic in the context of Niemann-Pick disease type C2. This variant is predicted to lead to an abnormal or absent protein product due to the creation of a premature termination codon in NPC2, a gene where loss-of-function variants are known to be pathogenic. Please note: this variant was assessed in the context of healthy population screening.

NM_006432.5(NPC2):c.334A>T (p.Lys112Ter)

Gene: NPC2 (NPC intracellular cholesterol transporter 2; minus strand). Cytogenetic location: 14q24.3.
Variant type: single nucleotide variant.
Coding change: c.334A>T on transcript NM_006432.5 (MANE Select); coding-DNA position 334, A replaced by T.
Protein change: p.Lys112Ter; replaces lysine 112 with a stop codon.
Molecular consequence: nonsense.
Genome position (GRCh38, 1-based): chr14:74,484,444, T>A on the plus strand (A>T on the coding strand, the complement: NPC2 is on the minus strand). VCF-style: chr14-74484444-T-A. GRCh37 (hg19) VCF-style: chr14-74951147-T-A.
Other names: c.334A>T, p.Lys112Ter (NM_001363688.1, NM_001375440.1); short protein forms K112*.
Identifiers: ClinVar variation 983845 (VCV000983845.3), dbSNP rs2086687425, ClinGen allele CA390532293.